The following is an entry in ClinVar:

ClinVar aggregate classification (germline): Conflicting classifications of pathogenicity. Review status: criteria provided, conflicting classifications (1 of 4 stars). 6 submissions from 6 submitters: Uncertain significance (4); Likely benign (2). Last evaluated 2026-06-16.

Conditions:
Asphyxiating thoracic dystrophy 4 (SRTD4). Also called: SHORT-RIB THORACIC DYSPLASIA 4; SHORT-RIB THORACIC DYSPLASIA 4 WITH OR WITHOUT POLYDACTYLY. Identifiers: Orphanet 474, MedGen C3151185, MONDO:0013441, OMIM 613819.
Nephronophthisis 12 (NPHP12). Identifiers: Orphanet 655, MedGen C3151186, MONDO:0013442, OMIM 613820.
TTC21B-related disorder. Also called: TTC21B-related disorders; TTC21B-related condition.
Nephronophthisis. Also called: Juvenile Nephronophthisis. Identifiers: Orphanet 655, MedGen C0687120, MONDO:0019005, HP:0000090.
Jeune thoracic dystrophy. Also called: Jeune syndrome; Infantile thoracic dystrophy; Thoracic pelvic phalangeal dystrophy; Jeune's syndrome; Chondroectodermal dysplasia-like syndrome; Short-rib thoracic dysplasia. Identifiers: Orphanet 474, MedGen C0265275, MONDO:0018770.

Allele frequency attached by ClinVar (database versions not stated): gnomAD 0.00026 and 0.00028; TOPMed 0.00032; 1000 Genomes Project 0.00040; 1000 Genomes Project 30x 0.00047; ESP Exome Variant Server 0.00054.
gnomAD v4.1: 177 of 1,608,476 alleles (0.011%); highest among the groups gnomAD compares: African/African-American, 0.076%; 2 homozygotes.

Submissions (6):

PreventionGenetics, part of Exact Sciences
Classification: Uncertain significance for TTC21B-related condition. Last evaluated: 2026-06-16. Review status: criteria provided, single submitter. Criteria: ACMG Guidelines, 2015. Collection method: clinical testing. Allele origin: germline.
Comment: The TTC21B c.2942G>A variant is predicted to result in the amino acid substitution p.Arg981His. This variant has been reported in the homozygous state in an individual with failure to thrive, global developmental delay, hypotonia, seizures, muscle weakness, pneumonia, and severe laryngomalacia (Table S1, Monies et al. 2019. PubMed ID: 31130284). This variant is reported in 0.068% of alleles in individuals of African descent in gnomAD. At this time, the clinical significance of this variant is uncertain due to the absence of conclusive functional and genetic evidence.

Labcorp Genetics (formerly Invitae), Labcorp
Classification: Likely benign for Jeune thoracic dystrophy; Nephronophthisis. Last evaluated: 2025-12-20. Review status: criteria provided, single submitter. Criteria: Invitae Variant Classification Sherloc (09022015). Collection method: clinical testing. Allele origin: germline.

GeneDx
Classification: Uncertain significance. Last evaluated: 2025-09-23. Review status: criteria provided, single submitter. Criteria: GeneDx Variant Classification Process June 2021. Collection method: clinical testing. Allele origin: germline. Affected: yes.
Comment: In silico analysis supports that this missense variant has a deleterious effect on protein structure/function; In silico analysis is inconclusive as to whether the variant alters gene splicing. In the absence of RNA/functional studies, the actual effect of this sequence change is unknown.; This variant is associated with the following publications: (PMID: 31130284)

Blueprint Genetics
Classification: Uncertain significance. Last evaluated: 2024-11-21. Review status: criteria provided, single submitter. Criteria: ACMG Guidelines, 2015. Collection method: clinical testing. Allele origin: germline.

Fulgent Genetics
Classification: Likely benign for Asphyxiating thoracic dystrophy 4; Nephronophthisis 12. Last evaluated: 2024-04-05. Review status: criteria provided, single submitter. Criteria: ACMG Guidelines, 2015. Collection method: clinical testing. Allele origin: germline.

Johns Hopkins Genomics, Johns Hopkins University
Classification: Uncertain significance for Nephronophthisis 12. Last evaluated: 2021-01-12. Review status: criteria provided, single submitter. Criteria: ACMG Guidelines, 2015. Collection method: clinical testing. Allele origin: germline.
Comment: This TTC21B variant (rs142022626) is rare (<0.1%) in a large population dataset (gnomAD: 40/282452 total alleles; 0.014%; no homozygotes) and has not been reported in ClinVar nor the literature, to our knowledge. Of three bioinformatics tools queried, two predict that the substitution would be damaging, while one predicts that it would be tolerated. The arginine residue at this position is highly evolutionarily conserved across mammals. We consider the clinical significance of c.2942G>A to be uncertain at this time.

NM_024753.5(TTC21B):c.2942G>A (p.Arg981His)

Gene: TTC21B (tetratricopeptide repeat domain 21B; minus strand). Cytogenetic location: 2q24.3.
Variant type: single nucleotide variant.
Coding change: c.2942G>A on transcript NM_024753.5 (MANE Select); coding-DNA position 2942, G replaced by A.
Protein change: p.Arg981His; replaces arginine 981 with histidine.
Molecular consequence: missense variant.
Genome position (GRCh38, 1-based): chr2:165,898,694, C>T on the plus strand (G>A on the coding strand, the complement: TTC21B is on the minus strand). VCF-style: chr2-165898694-C-T. GRCh37 (hg19) VCF-style: chr2-166755204-C-T.
Other names: short protein forms R981H.
Identifiers: ClinVar variation 992903 (VCV000992903.16), dbSNP rs142022626, ClinGen allele CA1941655.
Genomic context (GRCh38, chr2:165,898,694, plus strand): 5'-GGAGAAAGGGAGGGGTGACTGCACTCAAAAAATACAATAAGTAGGTATTTACCTGGCTTA[C>T]GTTCTAAAAGCTGCTGTAAATGAAACACTGCTTGTTCATAGTCTTGTTTTCTGAACATGA-3'
Protein context (NP_079029.3, residues 971-991): AVFHLQQLLE[Arg981His]KPDNYMTLSR